The following is an entry in ClinVar:

ClinVar aggregate classification (germline): Uncertain significance (1 of 4 stars; one submission).

Allele frequency attached by ClinVar (database versions not stated): gnomAD exomes below 0.00001.
gnomAD v4.1: 1 of 1,605,418 alleles (0.000062%); highest among the groups gnomAD compares: Non-Finnish European, 0.000085%; no homozygotes.

Submission:

Ambry Genetics
Classification: Uncertain significance. Last evaluated: 2021-12-24. Review status: criteria provided, single submitter. Criteria: Ambry Variant Classification Scheme 2023. Collection method: clinical testing. Allele origin: germline.
Comment: The p.N827S variant (also known as c.2480A>G), located in coding exon 21 of the BUB1 gene, results from an A to G substitution at nucleotide position 2480. The asparagine at codon 827 is replaced by serine, an amino acid with highly similar properties. This amino acid position is conserved. In addition, this alteration is predicted to be tolerated by in silico analysis. Since supporting evidence is limited at this time, the clinical significance of this alteration remains unclear.

NM_004336.5(BUB1):c.2480A>G (p.Asn827Ser)

Gene: BUB1 (BUB1 mitotic checkpoint serine/threonine kinase; minus strand). Cytogenetic location: 2q13.
Variant type: single nucleotide variant.
Coding change: c.2480A>G on transcript NM_004336.5 (MANE Select); coding-DNA position 2480, A replaced by G.
Protein change: p.Asn827Ser; replaces asparagine 827 with serine.
Molecular consequence: missense variant.
Genome position (GRCh38, 1-based): chr2:110,641,787, T>C on the plus strand (A>G on the coding strand, the complement: BUB1 is on the minus strand). VCF-style: chr2-110641787-T-C. GRCh37 (hg19) VCF-style: chr2-111399364-T-C.
Other names: c.2420A>G, p.Asn807Ser (NM_001278616.2); c.2480A>G, p.Asn827Ser (NM_001278617.2); short protein forms N807S, N827S.
Identifiers: ClinVar variation 1791908 (VCV001791908.2), dbSNP rs2467972424, ClinGen allele CA348090634.